The following is an entry in ClinVar:

NM_014225.6(PPP2R1A):c.703C>T (p.Leu235=)

Gene: PPP2R1A (protein phosphatase 2 scaffold subunit Aalpha; plus strand). Cytogenetic location: 19q13.41.
Variant type: single nucleotide variant.
Coding change: c.703C>T on transcript NM_014225.6 (MANE Select); coding-DNA position 703, C replaced by T.
Protein change: p.Leu235=; no amino-acid change (leucine 235 retained).
Molecular consequence: synonymous variant. On other transcripts: non-coding transcript variant (1).
Genome position (GRCh38, 1-based): chr19:52,213,006, C>T. VCF-style: chr19-52213006-C-T. GRCh37 (hg19) VCF-style: chr19-52716259-C-T.
Other names: c.166C>T, p.Leu56= (NM_001363656.2).
Identifiers: ClinVar variation 1589661 (VCV001589661.32), dbSNP rs770524297, ClinGen allele CA9621411.

ClinVar aggregate classification (germline): Likely benign. Review status: criteria provided, multiple submitters, no conflicts (2 of 4 stars). 2 submissions from 2 submitters: Likely benign (2). Last evaluated 2026-04-01.

Allele frequency attached by ClinVar (database versions not stated): gnomAD 0.00001; gnomAD exomes 0.00002 and 0.00004; TOPMed 0.00002; ExAC 0.00003.
gnomAD v4.1: 39 of 1,612,030 alleles (0.0024%); highest among the groups gnomAD compares: South Asian, 0.022%; no homozygotes.

Submissions (2):

CeGaT Center for Human Genetics Tuebingen
Classification: Likely benign. Last evaluated: 2026-04-01. Review status: criteria provided, single submitter. Criteria: CeGaT Center For Human Genetics Tuebingen Variant Classification Criteria Version 2. Collection method: clinical testing. Allele origin: germline. Affected: yes. Observed: 2 variant alleles.
Comment: PPP2R1A: BP4, BP7

Labcorp Genetics (formerly Invitae), Labcorp
Classification: Likely benign. Last evaluated: 2025-10-21. Review status: criteria provided, single submitter. Criteria: Invitae Variant Classification Sherloc (09022015). Collection method: clinical testing. Allele origin: germline.